The following is an entry in ClinVar:

NM_021956.5(GRIK2):c.1567C>T (p.Arg523Ter)

Gene: GRIK2 (glutamate ionotropic receptor kainate type subunit 2; plus strand). Cytogenetic location: 6q16.3.
Variant type: single nucleotide variant.
Coding change: c.1567C>T on transcript NM_021956.5 (MANE Select); coding-DNA position 1567, C replaced by T.
Protein change: p.Arg523Ter; replaces arginine 523 with a stop codon.
Molecular consequence: nonsense.
Genome position (GRCh38, 1-based): chr6:101,889,682, C>T. VCF-style: chr6-101889682-C-T. GRCh37 (hg19) VCF-style: chr6-102337557-C-T.
Other names: c.1567C>T (NM_021956.3); c.1567C>T, p.Arg523Ter (NM_001166247.1, NM_175768.3); short protein forms R523*.
Identifiers: ClinVar variation 4527140 (VCV004527140.1), dbSNP rs140472463.
Genomic context (GRCh38, chr6:101,889,682, plus strand): 5'-GTTTGTTTCTGTCTACAGAAAGCTGACCTTGCAGTTGCTCCACTGGCTATTACCTATGTT[C>T]GAGAGAAGGTCATCGACTTTTCCAAGCCCTTTATGACACTTGGAATAAGTATTTTGTACC-3'

ClinVar aggregate classification (germline): Likely pathogenic (1 of 4 stars; one submission).

Submission:

GeneDx
Classification: Likely pathogenic. Last evaluated: 2025-04-19. Review status: criteria provided, single submitter. Criteria: GeneDx Variant Classification Process June 2021. Collection method: clinical testing. Allele origin: germline. Affected: yes.
Comment: Nonsense variant predicted to result in protein truncation or nonsense mediated decay in a gene for which loss of function is a known mechanism of disease; Not observed at significant frequency in large population cohorts (gnomAD); Has not been previously published as pathogenic or benign to our knowledge